The following is an entry in ClinVar:

ClinVar aggregate classification (germline): Uncertain significance. Review status: criteria provided, multiple submitters, no conflicts (2 of 4 stars). 2 submissions from 2 submitters: Uncertain significance (2). Last evaluated 2025-04-04.

Conditions:
Inborn genetic diseases. Identifiers: MedGen C0950123, MeSH D030342.

Allele frequency attached by ClinVar (database versions not stated): TOPMed 0.00006; ESP Exome Variant Server 0.00031; gnomAD 0.00008; gnomAD exomes 0.00007.
gnomAD v4.1: 121 of 1,614,110 alleles (0.0075%); highest among the groups gnomAD compares: South Asian, 0.046%; no homozygotes.

Submissions (2):

Ambry Genetics
Classification: Uncertain significance for Inborn genetic diseases. Last evaluated: 2025-04-04. Review status: criteria provided, single submitter. Criteria: Ambry Variant Classification Scheme 2023. Collection method: clinical testing. Allele origin: germline.

Labcorp Genetics (formerly Invitae), Labcorp
Classification: Uncertain significance. Last evaluated: 2022-02-02. Review status: criteria provided, single submitter. Criteria: Invitae Variant Classification Sherloc (09022015). Collection method: clinical testing. Allele origin: germline.
Comment: This variant is present in population databases (rs141640126, gnomAD 0.06%). This sequence change replaces arginine, which is basic and polar, with glutamine, which is neutral and polar, at codon 156 of the LETM1 protein (p.Arg156Gln). This variant has not been reported in the literature in individuals affected with LETM1-related conditions. In summary, the available evidence is currently insufficient to determine the role of this variant in disease. Therefore, it has been classified as a Variant of Uncertain Significance. Algorithms developed to predict the effect of missense changes on protein structure and function are either unavailable or do not agree on the potential impact of this missense change (SIFT: "Deleterious"; PolyPhen-2: "Possibly Damaging"; Align-GVGD: "Class C0").

NM_012318.3(LETM1):c.467G>A (p.Arg156Gln)

Gene: LETM1 (leucine zipper and EF-hand containing transmembrane protein 1; minus strand). Cytogenetic location: 4p16.3.
Variant type: single nucleotide variant.
Coding change: c.467G>A on transcript NM_012318.3 (MANE Select); coding-DNA position 467, G replaced by A.
Protein change: p.Arg156Gln; replaces arginine 156 with glutamine.
Molecular consequence: missense variant.
Genome position (GRCh38, 1-based): chr4:1,841,474, C>T on the plus strand (G>A on the coding strand, the complement: LETM1 is on the minus strand). VCF-style: chr4-1841474-C-T. GRCh37 (hg19) VCF-style: chr4-1843201-C-T.
Other names: c.467G>A (NM_012318.2); short protein forms R156Q.
Identifiers: ClinVar variation 2144803 (VCV002144803.3), dbSNP rs141640126, ClinGen allele CA2811620.